The following is an entry in ClinVar:

ClinVar aggregate classification (germline): Uncertain significance (1 of 4 stars; one submission).

Conditions:
Progressive myoclonic epilepsy type 5. Identifiers: Orphanet 402082, MedGen C5190799.

gnomAD v4.1: 3 of 1,614,260 alleles (0.00019%); highest among the groups gnomAD compares: Admixed American, 0.005%; no homozygotes.

Submission:

Labcorp Genetics (formerly Invitae), Labcorp
Classification: Uncertain significance for Progressive myoclonic epilepsy type 5. Last evaluated: 2020-03-02. Review status: criteria provided, single submitter. Criteria: Invitae Variant Classification Sherloc (09022015). Collection method: clinical testing. Allele origin: germline.
Comment: In summary, the available evidence is currently insufficient to determine the role of this variant in disease. Therefore, it has been classified as a Variant of Uncertain Significance. Algorithms developed to predict the effect of missense changes on protein structure and function are either unavailable or do not agree on the potential impact of this missense change (SIFT: "Deleterious"; PolyPhen-2: "Benign"; Align-GVGD: "Class C0"). This variant has not been reported in the literature in individuals with PRICKLE2-related conditions. This variant is not present in population databases (ExAC no frequency). This sequence change replaces alanine with threonine at codon 331 of the PRICKLE2 protein (p.Ala331Thr). The alanine residue is highly conserved and there is a small physicochemical difference between alanine and threonine.

NM_198859.4(PRICKLE2):c.991G>A (p.Ala331Thr)

Gene: PRICKLE2 (prickle planar cell polarity protein 2; minus strand). Cytogenetic location: 3p14.1.
Variant type: single nucleotide variant.
Coding change: c.991G>A on transcript NM_198859.4 (MANE Select); coding-DNA position 991, G replaced by A.
Protein change: p.Ala331Thr; replaces alanine 331 with threonine.
Molecular consequence: missense variant.
Genome position (GRCh38, 1-based): chr3:64,147,499, C>T on the plus strand (G>A on the coding strand, the complement: PRICKLE2 is on the minus strand). VCF-style: chr3-64147499-C-T. GRCh37 (hg19) VCF-style: chr3-64133175-C-T.
Other names: c.991G>A, p.Ala331Thr (NM_001370528.1); short protein forms A331T.
Identifiers: ClinVar variation 1004882 (VCV001004882.5), dbSNP rs1406891675, ClinGen allele CA353431951.